The following is an entry in ClinVar:

NM_001482.3(GATM):c.724G>A (p.Gly242Arg)

Gene: GATM (glycine amidinotransferase; minus strand). Cytogenetic location: 15q21.1.
Variant type: single nucleotide variant.
Coding change: c.724G>A on transcript NM_001482.3 (MANE Select); coding-DNA position 724, G replaced by A.
Protein change: p.Gly242Arg; replaces glycine 242 with arginine.
Molecular consequence: missense variant.
Genome position (GRCh38, 1-based): chr15:45,366,460, C>T on the plus strand (G>A on the coding strand, the complement: GATM is on the minus strand). VCF-style: chr15-45366460-C-T. GRCh37 (hg19) VCF-style: chr15-45658658-C-T.
Other names: c.337G>A, p.Gly113Arg (NM_001321015.2); short protein forms G242R, G113R.
Identifiers: ClinVar variation 575063 (VCV000575063.8), dbSNP rs1236954285, ClinGen allele CA392259155.

ClinVar aggregate classification (germline): Uncertain significance (1 of 4 stars; one submission).

Conditions:
Arginine:glycine amidinotransferase deficiency (CCDS3). Also called: L-Arginine:Glycine Amidinotransferase (AGAT) Deficiency; Cerebral creatine deficiency syndrome 3; L-Arginine:Glycine Amidinotransferase Deficiency; Creatine deficiency syndrome due to AGAT deficiency; GATM deficiency; AGAT deficiency. Identifiers: Orphanet 35704, MedGen C2675179, MONDO:0012996, OMIM 612718.

Submission:

Labcorp Genetics (formerly Invitae), Labcorp
Classification: Uncertain significance for Arginine:glycine amidinotransferase deficiency. Last evaluated: 2020-03-18. Review status: criteria provided, single submitter. Criteria: Invitae Variant Classification Sherloc (09022015). Collection method: clinical testing. Allele origin: germline.
Comment: This sequence change replaces glycine with arginine at codon 242 of the GATM protein (p.Gly242Arg). The glycine residue is highly conserved and there is a moderate physicochemical difference between glycine and arginine. This variant is not present in population databases (ExAC no frequency). This variant has not been reported in the literature in individuals with GATM-related disease. Algorithms developed to predict the effect of missense changes on protein structure and function do not agree on the potential impact of this missense change (SIFT: "Deleterious"; PolyPhen-2: "Benign"; Align-GVGD: "Class C15"). In summary, the available evidence is currently insufficient to determine the role of this variant in disease. Therefore, it has been classified as a Variant of Uncertain Significance.